The following is an entry in ClinVar:

ClinVar aggregate classification (germline): Benign. Review status: criteria provided, single submitter (1 of 4 stars). 2 submissions from 2 submitters: Benign (1). 1 of the submissions does not count toward it. Last evaluated 2025-07-24.

Conditions:
RBPJ-related disorder. Also called: RBPJ-related condition.

Allele frequency attached by ClinVar (database versions not stated): 1000 Genomes Project 0.00040; TOPMed 0.00001; ExAC 0.00033; 1000 Genomes Project 30x 0.00109; gnomAD 0.00004; gnomAD exomes 0.00017.
gnomAD v4.1: 253 of 1,614,014 alleles (0.016%); highest among the groups gnomAD compares: South Asian, 0.26%; 1 homozygote.

Submissions (2):

Labcorp Genetics (formerly Invitae), Labcorp
Classification: Benign. Last evaluated: 2025-07-24. Review status: criteria provided, single submitter. Criteria: Invitae Variant Classification Sherloc (09022015). Collection method: clinical testing. Allele origin: germline.

PreventionGenetics, part of Exact Sciences
Classification: Likely benign for RBPJ-related condition. Last evaluated: 2019-08-16. Review status: no assertion criteria provided. Collection method: clinical testing. Allele origin: germline. Not counted in ClinVar's aggregate classification.
Comment: This variant is classified as likely benign based on ACMG/AMP sequence variant interpretation guidelines (Richards et al. 2015 PMID: 25741868, with internal and published modifications).

NM_015874.6(RBPJ):c.1395G>A (p.Glu465=)

Gene: RBPJ (recombination signal binding protein for immunoglobulin kappa J region; plus strand). Cytogenetic location: 4p15.2.
Variant type: single nucleotide variant.
Coding change: c.1395G>A on transcript NM_015874.6 (MANE Select); coding-DNA position 1395, G replaced by A.
Protein change: p.Glu465=; no amino-acid change (glutamic acid 465 retained).
Molecular consequence: synonymous variant.
Genome position (GRCh38, 1-based): chr4:26,430,938, G>A. VCF-style: chr4-26430938-G-A. GRCh37 (hg19) VCF-style: chr4-26432560-G-A.
Other names: c.1329G>A, p.Glu443= (NM_001363577.2, NM_203283.5); c.1434G>A, p.Glu478= (NM_001374400.1, NM_005349.4); c.1392G>A, p.Glu464= (NM_001374401.1, NM_001374402.1, NM_001374403.1 and 3 more transcripts); c.1278G>A, p.Glu426= (NM_001379408.1); c.1233G>A, p.Glu411= (NM_001379409.1).
Identifiers: ClinVar variation 3053184 (VCV003053184.4), dbSNP rs573271840, ClinGen allele CA2881549.
Genomic context (GRCh38, chr4:26,430,938, plus strand): 5'-AGCAATCCTTCGAGCCAATTCAAGCCAGGTGCCCCCTAACGAATCAAACACAAACAGCGA[G>A]GGAAGTTACACAAACGCCAGCACAAATTCAACCAGTGTCACATCATCTACAGCCACAGTG-3'
Protein context (NP_056958.3, residues 455-475): VPPNESNTNS[Glu465=]GSYTNASTNS